The following is an entry in ClinVar:

Conditions:
Breast-ovarian cancer, familial, susceptibility to, 1 (BROVCA1). Also called: BRCA1 Hereditary Breast and Ovarian Cancer; OVARIAN CANCER, SUSCEPTIBILITY TO. Identifiers: Orphanet 145, MedGen C2676676, MONDO:0011450, OMIM 604370. Disease mechanism: loss of function.

Submission:

Brotman Baty Institute, University of Washington
No classification provided (evidence only). Condition: Breast-ovarian cancer, familial 1. Review status: no classification provided. Collection method: in vitro. Allele origin: not applicable. Functional consequence: functionally_normal.
ClinVar note: "not provided" was previously submitted as the classification for the variant. However, the classification appeared to be based only on an observation of functional data so it was converted to no classification on 2025-07-30.

NM_007294.4(BRCA1):c.5407-14T>A

Gene: BRCA1 (BRCA1 DNA repair associated; minus strand). Cytogenetic location: 17q21.31.
Variant type: single nucleotide variant.
Coding change: c.5407-14T>A on transcript NM_007294.4 (MANE Select); 14 bases into the intron before coding-DNA position 5407, T replaced by A.
Molecular consequence: intron variant.
Genome position (GRCh38, 1-based): chr17:43,047,717, A>T on the plus strand (T>A on the coding strand, the complement: BRCA1 is on the minus strand). VCF-style: chr17-43047717-A-T. GRCh37 (hg19) VCF-style: chr17-41199734-A-T.
Other names: c.5260-14T>A (NM_001407852.1, NM_001407853.1, NM_001407843.1 and 12 more transcripts); c.5263-14T>A (NM_001407750.1, NM_001407732.1, NM_001407733.1 and 18 more transcripts); c.5266-14T>A (NM_001407698.1, NM_001407694.1, NM_001407696.1 and 12 more transcripts); c.2017-14T>A (NM_001408413.1, NM_001408416.1, NM_001408414.1 and 2 more transcripts); c.5323-14T>A (NM_001407660.1, NM_001407661.1, NM_001407663.1 and 2 more transcripts); c.1894-14T>A (NM_001408476.1, NM_001408475.1); c.1897-14T>A (NM_001408474.1); c.5206-14T>A (NM_001407862.1); and 83 more.
Identifiers: ClinVar variation 865727 (VCV000865727.3), dbSNP rs2050998366, ClinGen allele CA916080798.